The following is an entry in ClinVar:

NM_020549.5(CHAT):c.580-9C>G

Gene: CHAT (choline O-acetyltransferase; plus strand). Cytogenetic location: 10q11.23.
Variant type: single nucleotide variant.
Coding change: c.580-9C>G on transcript NM_020549.5 (MANE Select); 9 bases into the intron before coding-DNA position 580, C replaced by G.
Molecular consequence: intron variant.
Genome position (GRCh38, 1-based): chr10:49,620,486, C>G. VCF-style: chr10-49620486-C-G. GRCh37 (hg19) VCF-style: chr10-50828532-C-G.
Other names: c.226-9C>G (NM_020984.4, NM_020985.4, NM_020986.4 and 2 more transcripts); c.334-9C>G (NM_001142933.2).
Identifiers: ClinVar variation 707762 (VCV000707762.13), dbSNP rs371756448, ClinGen allele CA5497195.
Genomic context (GRCh38, chr10:49,620,486, plus strand): 5'-TTTCTCTCGGGGCTGTCAGGATGGGACTGTTTGGGGGGATGTGACGGCCTTCCCTGCCCT[C>G]CCCGGCAGGTGTCTGAGTACTGGCTGAATGACATGTATCTCAACAACCGCCTGGCCCTGC-3'

ClinVar aggregate classification (germline): Likely benign. Review status: criteria provided, multiple submitters, no conflicts (2 of 4 stars). 3 submissions from 3 submitters: Likely benign (2). 1 of the submissions does not count toward it. Last evaluated 2026-01-26.

Conditions:
Familial infantile myasthenia (CMS6). Also called: Congenital myasthenic syndrome type 6; MYASTHENIC SYNDROME, PRESYNAPTIC, CONGENITAL, ASSOCIATED WITH EPISODIC APNEA; MYASTHENIC SYNDROME, CONGENITAL, 6, PRESYNAPTIC. Identifiers: Orphanet 590, MedGen C0393929, MONDO:0009689, OMIM 254210.
CHAT-related disorder. Also called: CHAT-related condition.

Allele frequency attached by ClinVar (database versions not stated): ExAC 0.00007; gnomAD exomes 0.00008; gnomAD 0.00010 and 0.00011; TOPMed 0.00012; ESP Exome Variant Server 0.00023.
gnomAD v4.1: 276 of 1,597,290 alleles (0.017%); highest among the groups gnomAD compares: Non-Finnish European, 0.022%; 1 homozygote.

Submissions (3):

Labcorp Genetics (formerly Invitae), Labcorp
Classification: Likely benign for Familial infantile myasthenia. Last evaluated: 2026-01-26. Review status: criteria provided, single submitter. Criteria: Invitae Variant Classification Sherloc (09022015). Collection method: clinical testing. Allele origin: germline.

Blueprint Genetics
Classification: Likely benign. Last evaluated: 2024-08-29. Review status: criteria provided, single submitter. Criteria: ACMG Guidelines, 2015. Collection method: clinical testing. Allele origin: germline.

PreventionGenetics, part of Exact Sciences
Classification: Likely benign for CHAT-related condition. Last evaluated: 2019-04-24. Review status: no assertion criteria provided. Collection method: clinical testing. Allele origin: germline. Not counted in ClinVar's aggregate classification.
Comment: This variant is classified as likely benign based on ACMG/AMP sequence variant interpretation guidelines (Richards et al. 2015 PMID: 25741868, with internal and published modifications).